The following is an entry in ClinVar:

ClinVar aggregate classification (germline): Conflicting classifications of pathogenicity. Review status: criteria provided, conflicting classifications (1 of 4 stars). 2 submissions from 2 submitters: Uncertain significance (1); Likely benign (1). Last evaluated 2026-07-13.

Conditions:
Hereditary cancer-predisposing syndrome. Also called: Neoplastic Syndromes, Hereditary; Tumor predisposition; Hereditary Cancer Syndrome; Hereditary neoplastic syndrome. Identifiers: Orphanet 140162, MedGen C0027672, MeSH D009386, MONDO:0015356.
Familial thoracic aortic aneurysm and aortic dissection (TAAD). Also called: Thoracic aortic aneurysms and dissections. Identifiers: Orphanet 91387, MedGen C4707243, MONDO:0019625.
Juvenile polyposis syndrome (JPS). Identifiers: Orphanet 2929, MedGen C0345893, MONDO:0017380, OMIM 174900.

Submissions (2):

Ambry Genetics
Classification: Uncertain significance for Hereditary cancer-predisposing syndrome; Familial thoracic aortic aneurysm and aortic dissection. Last evaluated: 2026-07-13. Review status: criteria provided, single submitter. Criteria: Ambry Variant Classification Scheme 2023. Collection method: clinical testing. Allele origin: germline.
Comment: The c.455-5T>A intronic variant results from a T to A substitution 5 nucleotides upstream from coding exon 4 in the SMAD4 gene. This nucleotide position is poorly conserved in available vertebrate species. In silico splice site analysis predicts that this alteration will not have any significant effect on splicing. Based on the available evidence, the clinical significance of this variant remains unclear.

Labcorp Genetics (formerly Invitae), Labcorp
Classification: Likely benign for Juvenile polyposis syndrome. Last evaluated: 2024-12-23. Review status: criteria provided, single submitter. Criteria: Invitae Variant Classification Sherloc (09022015). Collection method: clinical testing. Allele origin: germline.

NM_005359.6(SMAD4):c.455-5T>A

Gene: SMAD4 (SMAD family member 4; plus strand). Cytogenetic location: 18q21.2.
Variant type: single nucleotide variant.
Coding change: c.455-5T>A on transcript NM_005359.6 (MANE Select); 5 bases into the intron before coding-DNA position 455, T replaced by A.
Molecular consequence: intron variant.
Genome position (GRCh38, 1-based): chr18:51,054,776, T>A. VCF-style: chr18-51054776-T-A. GRCh37 (hg19) VCF-style: chr18-48581146-T-A.
Other names: c.455-5T>A (NM_005359.5).
Identifiers: ClinVar variation 1081423 (VCV001081423.10), dbSNP rs2144417678, ClinGen allele CA2499225202.